The following is an entry in ClinVar:

ClinVar aggregate classification (germline): Likely pathogenic. Review status: criteria provided, multiple submitters, no conflicts (2 of 4 stars). 3 submissions from 3 submitters: Likely pathogenic (3). Last evaluated 2025-08-28.

Conditions:
Muscular dystrophy-dystroglycanopathy (congenital with brain and eye anomalies), type A2. Also called: MUSCULAR DYSTROPHY-DYSTROGLYCANOPATHY (CONGENITAL WITH BRAIN AND EYE ANOMALIES), TYPE A, 2; WALKER-WARBURG SYNDROME OR MUSCLE-EYE-BRAIN DISEASE, POMT2-RELATED. Identifiers: Orphanet 588, Orphanet 899, MedGen C3150411, MONDO:0013154, OMIM 613150.
Muscular dystrophy-dystroglycanopathy (congenital with impaired intellectual development), type B, 2. Also called: MUSCULAR DYSTROPHY, CONGENITAL, POMT2-RELATED; Muscular dystrophy-dystroglycanopathy (congenital with intellectual disability), type B2. Identifiers: MedGen C3150416, MONDO:0013160, OMIM 613156.
Autosomal recessive limb-girdle muscular dystrophy type 2N. Also called: MUSCULAR DYSTROPHY-DYSTROGLYCANOPATHY, LIMB-GIRDLE, POMT2-RELATED; Muscular dystrophy-dystroglycanopathy (limb-girdle), type C, 2. Identifiers: Orphanet 206559, MedGen C3150418, MONDO:0013162, OMIM 613158.
Autosomal recessive limb-girdle muscular dystrophy. Identifiers: Orphanet 102015, MedGen C2931907, MONDO:0015152.

Allele frequency attached by ClinVar (database versions not stated): TOPMed 0.00001; gnomAD exomes 0.00002; ExAC 0.00002.
gnomAD v4.1: 31 of 1,614,144 alleles (0.0019%); highest among the groups gnomAD compares: East Asian, 0.0045%; no homozygotes.

Submissions (3):

Women's Health and Genetics/Laboratory Corporation of America, LabCorp
Classification: Likely pathogenic for Autosomal recessive limb-girdle muscular dystrophy. Last evaluated: 2025-08-28. Review status: criteria provided, single submitter. Criteria: LabCorp Variant Classification Summary - May 2015. Collection method: clinical testing. Allele origin: germline.
Comment: Variant summary: POMT2 c.796G>A (p.Gly266Arg) results in a non-conservative amino acid change located in the glycosyl transferase family 39/83 domain (IPR003342) of the encoded protein sequence. Algorithms developed to predict the effect of missense changes on protein structure and function all suggest that this variant is likely to be disruptive. The variant allele was found at a frequency of 2e-05 in 251476 control chromosomes. c.796G>A has been observed in the presumed compound heterozygous state in individual(s) affected with autosomal recessive Limb-Girdle Muscular Dystrophy (Ostergaard_2018, Labcorp (formerly Invitae)). These data indicate that the variant may be associated with disease. However, given the overlap in phenotype between these two conditions, it is difficult to determine how these variants each contribute to the causality of the patient phenotype in this case. To our knowledge, no experimental evidence demonstrating an impact on protein function has been reported. The following publications have been ascertained in the context of this evaluation (PMID: 32140910, 29175898). ClinVar contains an entry for this variant (Variation ID: 835081). Based on the evidence outlined above, the variant was classified as likely pathogenic.

Labcorp Genetics (formerly Invitae), Labcorp
Classification: Likely pathogenic for Muscular dystrophy-dystroglycanopathy (congenital with impaired intellectual development), type B, 2; Muscular dystrophy-dystroglycanopathy (congenital with brain and eye anomalies), type A2; Autosomal recessive limb-girdle muscular dystrophy type 2N. Last evaluated: 2023-11-27. Review status: criteria provided, single submitter. Criteria: Invitae Variant Classification Sherloc (09022015). Collection method: clinical testing. Allele origin: germline.
Comment: This sequence change replaces glycine, which is neutral and non-polar, with arginine, which is basic and polar, at codon 266 of the POMT2 protein (p.Gly266Arg). This variant is present in population databases (rs761773211, gnomAD 0.006%). This missense change has been observed in individual(s) with clinical features of POMT2-related muscular dystrophy and/or limb-girdle muscular dystrophy (PMID: 29175898; Invitae). In at least one individual the data is consistent with being in trans (on the opposite chromosome) from a pathogenic variant. ClinVar contains an entry for this variant (Variation ID: 835081). Advanced modeling of protein sequence and biophysical properties (such as structural, functional, and spatial information, amino acid conservation, physicochemical variation, residue mobility, and thermodynamic stability) has been performed at Invitae for this missense variant, however the output from this modeling did not meet the statistical confidence thresholds required to predict the impact of this variant on POMT2 protein function. Algorithms developed to predict the effect of sequence changes on RNA splicing suggest that this variant may disrupt the consensus splice site. In summary, the currently available evidence indicates that the variant is pathogenic, but additional data are needed to prove that conclusively. Therefore, this variant has been classified as Likely Pathogenic.

Baylor Genetics
Classification: Likely pathogenic for Muscular dystrophy-dystroglycanopathy (congenital with brain and eye anomalies), type A2. Last evaluated: 2023-08-24. Review status: criteria provided, single submitter. Criteria: ACMG Guidelines, 2015. Collection method: clinical testing. Allele origin: unknown.

Literature cited by the submitters: PubMed 29175898 (cited by Women's Health and Genetics/Laboratory Corporation of America, LabCorp and Labcorp Genetics (formerly Invitae), Labcorp); PubMed 32140910 (cited by Women's Health and Genetics/Laboratory Corporation of America, LabCorp).

NM_013382.7(POMT2):c.796G>A (p.Gly266Arg)

Gene: POMT2 (protein O-mannosyltransferase 2; minus strand). Cytogenetic location: 14q24.3.
Variant type: single nucleotide variant.
Coding change: c.796G>A on transcript NM_013382.7 (MANE Select); coding-DNA position 796, G replaced by A.
Protein change: p.Gly266Arg; replaces glycine 266 with arginine.
Molecular consequence: missense variant.
Genome position (GRCh38, 1-based): chr14:77,301,110, C>T on the plus strand (G>A on the coding strand, the complement: POMT2 is on the minus strand). VCF-style: chr14-77301110-C-T. GRCh37 (hg19) VCF-style: chr14-77767453-C-T.
Other names: short protein forms G266R.
Identifiers: ClinVar variation 835081 (VCV000835081.13), dbSNP rs761773211, ClinGen allele CA7286090.